The following is an entry in ClinVar:

ClinVar aggregate classification (germline): Likely benign. Review status: criteria provided, multiple submitters, no conflicts (2 of 4 stars). 3 submissions from 3 submitters: Likely benign (3). Last evaluated 2023-12-05.

Conditions:
Inborn genetic diseases. Identifiers: MedGen C0950123, MeSH D030342.
Charcot-Marie-Tooth disease axonal type 2L. Also called: Charcot-Marie-Tooth Neuropathy Type 2L; CHARCOT-MARIE-TOOTH DISEASE, AXONAL, AUTOSOMAL DOMINANT, TYPE 2L; CHARCOT-MARIE-TOOTH NEUROPATHY, AXONAL, TYPE 2L. Identifiers: Orphanet 99945, MedGen C1837552, MONDO:0012096, OMIM 608673.

Allele frequency attached by ClinVar (database versions not stated): gnomAD 0.00001; gnomAD exomes 0.00001; TOPMed 0.00001.
gnomAD v4.1: 18 of 1,613,852 alleles (0.0011%); highest among the groups gnomAD compares: South Asian, 0.0077%; no homozygotes.

Submissions (3):

Labcorp Genetics (formerly Invitae), Labcorp
Classification: Likely benign for Charcot-Marie-Tooth disease axonal type 2L. Last evaluated: 2023-12-05. Review status: criteria provided, single submitter. Criteria: Invitae Variant Classification Sherloc (09022015). Collection method: clinical testing. Allele origin: germline.

Ambry Genetics
Classification: Likely benign for Inborn genetic diseases. Last evaluated: 2019-07-11. Review status: criteria provided, single submitter. Criteria: Ambry Variant Classification Scheme 2023. Collection method: clinical testing. Allele origin: germline.

GeneDx
Classification: Likely benign. Last evaluated: 2017-12-04. Review status: criteria provided, single submitter. Criteria: GeneDx Variant Classification (06012015). Collection method: clinical testing. Allele origin: germline. Affected: yes.
Comment: This variant is considered likely benign or benign based on one or more of the following criteria: it is a conservative change, it occurs at a poorly conserved position in the protein, it is predicted to be benign by multiple in silico algorithms, and/or has population frequency not consistent with disease.

NM_014365.3(HSPB8):c.198G>A (p.Ser66=)

Gene: HSPB8 (heat shock protein family B (small) member 8; plus strand). Cytogenetic location: 12q24.23.
Variant type: single nucleotide variant.
Coding change: c.198G>A on transcript NM_014365.3 (MANE Select); coding-DNA position 198, G replaced by A.
Protein change: p.Ser66=; no amino-acid change (serine 66 retained).
Molecular consequence: synonymous variant.
Genome position (GRCh38, 1-based): chr12:119,179,510, G>A. VCF-style: chr12-119179510-G-A. GRCh37 (hg19) VCF-style: chr12-119617315-G-A.
Identifiers: ClinVar variation 513757 (VCV000513757.10), dbSNP rs1041884451, ClinGen allele CA482055787.